The following is an entry in ClinVar:

NM_173728.4(ARHGEF15):c.1715G>A (p.Arg572His)

Gene: ARHGEF15 (Rho guanine nucleotide exchange factor 15; plus strand). Cytogenetic location: 17p13.1.
Variant type: single nucleotide variant.
Coding change: c.1715G>A on transcript NM_173728.4 (MANE Select); coding-DNA position 1715, G replaced by A.
Protein change: p.Arg572His; replaces arginine 572 with histidine.
Molecular consequence: missense variant.
Genome position (GRCh38, 1-based): chr17:8,318,397, G>A. VCF-style: chr17-8318397-G-A. GRCh37 (hg19) VCF-style: chr17-8221715-G-A.
Other names: c.1715G>A, p.Arg572His (NM_025014.2); short protein forms R572H.
Identifiers: ClinVar variation 530513 (VCV000530513.9), dbSNP rs771433483, ClinGen allele CA8375273.

ClinVar aggregate classification (germline): Uncertain significance (1 of 4 stars; one submission).

Conditions:
Early-infantile DEE. Also called: Ohtahara syndrome; Early infantile epileptic encephalopathy with suppression bursts; Early infantile epileptic encephalopathy. Identifiers: Orphanet 1934, MedGen C0393706, MONDO:0800491.

Allele frequency attached by ClinVar (database versions not stated): ExAC 0.00002; gnomAD exomes 0.00002; TOPMed 0.00002.

Submission:

Labcorp Genetics (formerly Invitae), Labcorp
Classification: Uncertain significance for Early-infantile DEE. Last evaluated: 2024-08-21. Review status: criteria provided, single submitter. Criteria: Invitae Variant Classification Sherloc (09022015). Collection method: clinical testing. Allele origin: germline.
Comment: This sequence change replaces arginine, which is basic and polar, with histidine, which is basic and polar, at codon 572 of the ARHGEF15 protein (p.Arg572His). This variant is present in population databases (rs771433483, gnomAD 0.006%). This variant has not been reported in the literature in individuals affected with ARHGEF15-related conditions. ClinVar contains an entry for this variant (Variation ID: 530513). An algorithm developed to predict the effect of missense changes on protein structure and function outputs the following: PolyPhen-2: "Benign". The histidine amino acid residue is found in multiple mammalian species, which suggests that this missense change does not adversely affect protein function. In summary, the available evidence is currently insufficient to determine the role of this variant in disease. Therefore, it has been classified as a Variant of Uncertain Significance.